The following is an entry in ClinVar:

NM_015346.4(ZFYVE26):c.6219C>A (p.Cys2073Ter)

Gene: ZFYVE26 (zinc finger FYVE-type containing 26; minus strand). Cytogenetic location: 14q24.1.
Variant type: single nucleotide variant.
Coding change: c.6219C>A on transcript NM_015346.4 (MANE Select); coding-DNA position 6219, C replaced by A.
Protein change: p.Cys2073Ter; replaces cysteine 2073 with a stop codon.
Molecular consequence: nonsense.
Genome position (GRCh38, 1-based): chr14:67,762,353, G>T on the plus strand (C>A on the coding strand, the complement: ZFYVE26 is on the minus strand). VCF-style: chr14-67762353-G-T. GRCh37 (hg19) VCF-style: chr14-68229070-G-T.
Other names: short protein forms C2073*.
Identifiers: ClinVar variation 1724135 (VCV001724135.2), dbSNP rs2503967649, ClinGen allele CA390164197.
Genomic context (GRCh38, chr14:67,762,353, plus strand): 5'-TGGGGGCTTCAGACAGCGACTGAACTTCTCCCGTGCAGCAGTGAGGTTCCCGGCTTTGAG[G>T]CAGGCCATGCCCCAAGCATGCCACGCCCCGGTGGTATCAAGCCCAGTCTTTGTGGAGACC-3'

ClinVar aggregate classification (germline): Likely pathogenic (1 of 4 stars; one submission).

Conditions:
Hereditary spastic paraplegia 15 (SPG15). Also called: SPASTIC PARAPLEGIA 15, AUTOSOMAL RECESSIVE; KJELLIN SYNDROME; SPASTIC PARAPLEGIA AND RETINAL DEGENERATION. Identifiers: Orphanet 100996, MedGen C1849128, MONDO:0010044, OMIM 270700.

Submission:

Myriad Genetics, Inc.
Classification: Likely pathogenic for Hereditary spastic paraplegia 15. Last evaluated: 2022-01-27. Review status: criteria provided, single submitter. Criteria: Myriad Women's Health Autosomal Recessive and X-Linked Classification Criteria (2021). Collection method: clinical testing. Allele origin: unknown.
Comment: NM_015346.3(ZFYVE26):c.6219C>A(C2073*) is expected to be pathogenic in the context of spastic paraplegia type 15. This variant is predicted to lead to an abnormal or absent protein product due to the creation of a premature termination codon in ZFYVE26, a gene where loss-of-function variants are known to be pathogenic. Please note: this variant was assessed in the context of healthy population screening.